The following is an entry in ClinVar:

ClinVar aggregate classification (germline): Pathogenic (1 of 4 stars; one submission).

Conditions:
ATM-related cancer predisposition. Also called: ATM-related cancer susceptibility. Identifiers: MedGen CN377759, MONDO:0700270.

Submission:

Dasa
Classification: Pathogenic for ATM-related cancer predisposition. Last evaluated: 2026-02-24. Review status: criteria provided, single submitter. Criteria: DASA Assertion Criteria. Collection method: clinical testing. Allele origin: germline.
Comment: NM_000051.4(ATM):c.2636del (p.Ile879Lysfs*7) introduces a premature termination codon predicted to result in loss of normal protein function. Loss-of-function is an established mechanism of disease for this gene. The affected residue or protein region has prior evidence supporting clinical relevance. This variant has been reported in individuals with ATM-related cancer predisposition. This variant has been reported in individuals with ATM-related cancer predisposition. The variant is present at low frequency in population datasets. Based on the available data, this variant is classified as pathogenic.

NM_000051.4(ATM):c.2636del (p.Ile879fs)

Gene: ATM (ATM serine/threonine kinase; plus strand). Cytogenetic location: 11q22.3.
Variant type: Deletion.
Coding change: c.2636del on transcript NM_000051.4 (MANE Select); coding-DNA position 2636, one base deleted (T; older notation c.2636delT).
Protein change: p.Ile879fs; shifts the reading frame from isoleucine 879.
Molecular consequence: frameshift variant.
Genome position (GRCh38, 1-based): chr11:108,267,340, T deleted. VCF-style (leftmost placement, unchanged base first): chr11-108267339-AT-A. GRCh37 (hg19) VCF-style: chr11-108138066-AT-A.
Other names: c.2636del, p.Ile879fs (NM_001351834.2); short protein forms I879fs.
Identifiers: ClinVar variation 4852012 (VCV004852012.1).
Genomic context (GRCh38, chr11:108,267,339, plus strand): 5'-AACGATTACCCTGATAGTAGTGTTAGTGATGCAAACGAACCTGGAGAGAGCCAAAGTACC[AT>A]AGGTAAATACATATTTACTACTTGGGATTTCTTTTACTTCTTTATATTGATTTGGCAGTA-3'